The following is an entry in ClinVar:

NM_003835.4(RGS9):c.1888G>A (p.Ala630Thr)

Gene: RGS9 (regulator of G protein signaling 9; plus strand). Cytogenetic location: 17q24.1.
Variant type: single nucleotide variant.
Coding change: c.1888G>A on transcript NM_003835.4 (MANE Select); coding-DNA position 1888, G replaced by A.
Protein change: p.Ala630Thr; replaces alanine 630 with threonine.
Molecular consequence: missense variant.
Genome position (GRCh38, 1-based): chr17:65,225,482, G>A. VCF-style: chr17-65225482-G-A. GRCh37 (hg19) VCF-style: chr17-63221600-G-A.
Other names: c.1879G>A, p.Ala627Thr (NM_001081955.3); c.1888G>A (NM_003835.3); short protein forms A630T, A627T.
Identifiers: ClinVar variation 2174658 (VCV002174658.4), dbSNP rs768033408, ClinGen allele CA8718171.

ClinVar aggregate classification (germline): Uncertain significance. Review status: criteria provided, multiple submitters, no conflicts (2 of 4 stars). 2 submissions from 2 submitters: Uncertain significance (2). Last evaluated 2024-04-24.

Conditions:
Inborn genetic diseases. Identifiers: MedGen C0950123, MeSH D030342.

Allele frequency attached by ClinVar (database versions not stated): gnomAD exomes 0.00001; TOPMed 0.00001; gnomAD 0.00002; ExAC 0.00003.
gnomAD v4.1: 16 of 1,601,918 alleles (0.001%); highest among the groups gnomAD compares: Admixed American, 0.01%; no homozygotes.

Submissions (2):

Labcorp Genetics (formerly Invitae), Labcorp
Classification: Uncertain significance. Last evaluated: 2024-04-24. Review status: criteria provided, single submitter. Criteria: Invitae Variant Classification Sherloc (09022015). Collection method: clinical testing. Allele origin: germline.
Comment: This sequence change replaces alanine, which is neutral and non-polar, with threonine, which is neutral and polar, at codon 630 of the RGS9 protein (p.Ala630Thr). This variant is present in population databases (rs768033408, gnomAD 0.009%). This variant has not been reported in the literature in individuals affected with RGS9-related conditions. ClinVar contains an entry for this variant (Variation ID: 2174658). Algorithms developed to predict the effect of missense changes on protein structure and function output the following: SIFT: "Not Available"; PolyPhen-2: "Benign"; Align-GVGD: "Not Available". The threonine amino acid residue is found in multiple mammalian species, which suggests that this missense change does not adversely affect protein function. In summary, the available evidence is currently insufficient to determine the role of this variant in disease. Therefore, it has been classified as a Variant of Uncertain Significance.

Ambry Genetics
Classification: Uncertain significance for Inborn genetic diseases. Last evaluated: 2024-02-06. Review status: criteria provided, single submitter. Criteria: Ambry Variant Classification Scheme 2023. Collection method: clinical testing. Allele origin: germline.